The following is an entry in ClinVar:

NM_000053.4(ATP7B):c.1242A>C (p.Arg414Ser)

Gene: ATP7B (ATPase copper transporting beta; minus strand). Cytogenetic location: 13q14.3.
Variant type: single nucleotide variant.
Coding change: c.1242A>C on transcript NM_000053.4 (MANE Select); coding-DNA position 1242, A replaced by C.
Protein change: p.Arg414Ser; replaces arginine 414 with serine.
Molecular consequence: missense variant.
Genome position (GRCh38, 1-based): chr13:51,973,978, T>G on the plus strand (A>C on the coding strand, the complement: ATP7B is on the minus strand). VCF-style: chr13-51973978-T-G. GRCh37 (hg19) VCF-style: chr13-52548114-T-G.
Other names: c.1146A>C, p.Arg382Ser (NM_001406517.1, NM_001406518.1, NM_001406543.1 and 3 more transcripts); c.1242A>C, p.Arg414Ser (NM_001406519.1, NM_001406520.1, NM_001406521.1 and 29 more transcripts); c.813A>C, p.Arg271Ser (NM_001406539.1); c.909A>C, p.Arg303Ser (NM_001243182.2); short protein forms R271S, R303S, R382S, R414S.
Identifiers: ClinVar variation 3341781 (VCV003341781.16).

ClinVar aggregate classification (germline): Uncertain significance (1 of 4 stars; one submission).

gnomAD v4.1: 77 of 1,614,128 alleles (0.0048%); highest among the groups gnomAD compares: Non-Finnish European, 0.0058%; no homozygotes.

Submission:

CeGaT Center for Human Genetics Tuebingen
Classification: Uncertain significance. Last evaluated: 2024-08-01. Review status: criteria provided, single submitter. Criteria: CeGaT Center For Human Genetics Tuebingen Variant Classification Criteria Version 2. Collection method: clinical testing. Allele origin: germline. Affected: yes. Observed: 1 variant allele.
Comment: ATP7B: PM2, BP4